The following is an entry in ClinVar:

NM_000051.4(ATM):c.5353C>G (p.Pro1785Ala)

Gene: ATM (ATM serine/threonine kinase; plus strand). Cytogenetic location: 11q22.3.
Variant type: single nucleotide variant.
Coding change: c.5353C>G on transcript NM_000051.4 (MANE Select); coding-DNA position 5353, C replaced by G.
Protein change: p.Pro1785Ala; replaces proline 1785 with alanine.
Molecular consequence: missense variant.
Genome position (GRCh38, 1-based): chr11:108,302,886, C>G. VCF-style: chr11-108302886-C-G. GRCh37 (hg19) VCF-style: chr11-108173613-C-G.
Other names: p.P1785A:CCT>GCT; c.5353C>G, p.Pro1785Ala (NM_001351834.2); short protein forms P1785A.
Identifiers: ClinVar variation 127407 (VCV000127407.18), dbSNP rs587779848, ClinGen allele CA286891.
Genomic context (GRCh38, chr11:108,302,886, plus strand): 5'-TACATTTTCTAATCCCTTTCTTTCTAGTTTTTAGAAGTACCCAGATTTGACAAAGAAAAC[C>G]CTTTTGAAGGCCTGGATGATATAAATCTGTGGATTCCTCTAAGTGAAAATCATGACATTT-3'
Protein context (NP_000042.3, residues 1775-1795): LEVPRFDKEN[Pro1785Ala]FEGLDDINLW

ClinVar aggregate classification (germline): Uncertain significance. Review status: criteria provided, multiple submitters, no conflicts (2 of 4 stars). 4 submissions from 4 submitters: Uncertain significance (4). Last evaluated 2025-12-08.

Conditions:
Hereditary cancer-predisposing syndrome. Also called: Tumor predisposition; Hereditary Cancer Syndrome; Neoplastic Syndromes, Hereditary; Hereditary neoplastic syndrome. Identifiers: Orphanet 140162, MedGen C0027672, MeSH D009386, MONDO:0015356.
Ataxia-telangiectasia syndrome (AT). Also called: LOUIS-BAR SYNDROME; Cerebello-oculocutaneous telangiectasia; Immunodeficiency with ataxia telangiectasia; ATAXIA-TELANGIECTASIA, COMPLEMENTATION GROUP A; ATAXIA-TELANGIECTASIA, FRESNO VARIANT; Ataxia-telangiectasia. Identifiers: Orphanet 100, MedGen C0004135, MONDO:0008840, OMIM 208900.

Allele frequency attached by ClinVar (database versions not stated): gnomAD exomes below 0.00001.
gnomAD v4.1: 1 of 1,612,940 alleles (0.000062%); highest among the groups gnomAD compares: African/African-American, 0.0013%; no homozygotes.

Submissions (4):

Color Diagnostics, LLC DBA Color Health
Classification: Uncertain significance for Hereditary cancer-predisposing syndrome. Last evaluated: 2025-12-08. Review status: criteria provided, single submitter. Criteria: ACMG Guidelines, 2015. Collection method: clinical testing. Allele origin: germline.
Comment: This missense variant replaces proline with alanine at codon 1785 of the ATM protein. Computational prediction suggests that this variant may not impact protein structure and function. To our knowledge, functional studies have not been reported for this variant. This variant has not been reported in individuals affected with ATM-related disorders in the literature. This variant has been identified in 1/250766 chromosomes in the general population by the Genome Aggregation Database (gnomAD). The available evidence is insufficient to determine the role of this variant in disease conclusively. Therefore, this variant is classified as a Variant of Uncertain Significance.

Labcorp Genetics (formerly Invitae), Labcorp
Classification: Uncertain significance for Ataxia-telangiectasia syndrome. Last evaluated: 2025-08-07. Review status: criteria provided, single submitter. Criteria: Invitae Variant Classification Sherloc (09022015). Collection method: clinical testing. Allele origin: germline.
Comment: This sequence change replaces proline, which is neutral and non-polar, with alanine, which is neutral and non-polar, at codon 1785 of the ATM protein (p.Pro1785Ala). This variant is present in population databases (rs587779848, gnomAD 0.007%). This variant has not been reported in the literature in individuals affected with ATM-related conditions. ClinVar contains an entry for this variant (Variation ID: 127407). Invitae Evidence Modeling of protein sequence and biophysical properties (such as structural, functional, and spatial information, amino acid conservation, physicochemical variation, residue mobility, and thermodynamic stability) indicates that this missense variant is not expected to disrupt ATM protein function with a negative predictive value of 95%. In summary, the available evidence is currently insufficient to determine the role of this variant in disease. Therefore, it has been classified as a Variant of Uncertain Significance.

Ambry Genetics
Classification: Uncertain significance for Hereditary cancer-predisposing syndrome. Last evaluated: 2023-04-24. Review status: criteria provided, single submitter. Criteria: Ambry Variant Classification Scheme 2023. Collection method: clinical testing. Allele origin: germline.
Comment: The p.P1785A variant (also known as c.5353C>G), located in coding exon 35 of the ATM gene, results from a C to G substitution at nucleotide position 5353. The proline at codon 1785 is replaced by alanine, an amino acid with highly similar properties. This amino acid position is not well conserved in available vertebrate species. In addition, this alteration is predicted to be tolerated by in silico analysis. Since supporting evidence is limited at this time, the clinical significance of this alteration remains unclear.

GeneDx
Classification: Uncertain significance. Last evaluated: 2018-07-09. Review status: criteria provided, single submitter. Criteria: GeneDx Variant Classification (06012015). Collection method: clinical testing. Allele origin: germline. Affected: yes.
Comment: This variant is denoted ATM c.5353C>G at the cDNA level, p.Pro1785Ala (P1785A) at the protein level, and results in the change of a Proline to an Alanine (CCT>GCT). This variant has not, to our knowledge, been published in the literature as a pathogenic or benign germline variant. ATM Pro1785Ala was not observed at a significant allele frequency in large population cohorts (Lek 2016). This variant is not located in a known functional domain. In silico analysis, which includes protein predictors and evolutionary conservation, supports that this variant does not alter protein structure/function. Based on currently available evidence, it is unclear whether ATM Pro1785Ala is a pathogenic or benign variant. We consider it to be a variant of uncertain significance.